The following is an entry in ClinVar:

NM_000280.4(PAX6):c.*3168C>T

Genes: ELP4 (elongator acetyltransferase complex subunit 4; plus strand), PAX6 (paired box 6; minus strand). Cytogenetic location: 11p13.
Variant type: single nucleotide variant.
Coding change: c.*3168C>T on transcript NM_000280.4; 3168 bases downstream of the stop codon, C replaced by T.
Molecular consequence: 3 prime UTR variant (on NM_019040.5).
Genome position (GRCh38, 1-based): chr11:31,786,766, G>A on the plus strand (C>T on the coding strand, the complement: PAX6 is on the minus strand). VCF-style: chr11-31786766-G-A. GRCh37 (hg19) VCF-style: chr11-31808314-G-A.
Other names: c.*3228G>A (NM_001288725.2); c.*3337G>A (NM_001288726.2); c.*3242G>A (NM_019040.5).
Identifiers: ClinVar variation 304311 (VCV000304311.36), dbSNP rs187705792, ClinGen allele CA10638286.
Genomic context (GRCh38, chr11:31,786,766, plus strand): 5'-TGAGCTGTAGCAAGAAACCAGTTGTTCACCATTTAAGGGTTAGGAGGCATAGCTTTGGGG[G>A]AAAAATATTCTAGAAATTCATTGCAGTAAAATGCATTTTTTTACTTAGAGCAGTTTGAAC-3'

ClinVar aggregate classification (germline): Conflicting classifications of pathogenicity. Review status: criteria provided, conflicting classifications (1 of 4 stars). 7 submissions from 2 submitters: Uncertain significance (1); Benign (5); Likely benign (1). Last evaluated 2022-08-01.

Conditions:
Anophthalmia-microphthalmia syndrome. Also called: Anophthalmia/Microphthalmia; Anophthalmia - microphthalmia. Identifiers: Orphanet 98555, MedGen C5680330, MONDO:0020147.
11p partial monosomy syndrome (WAGR). Also called: WAGR Spectrum Disorder; WAGR syndrome; WAGR Complex; CHROMOSOME 11p13 DELETION SYNDROME. Identifiers: Orphanet 893, MedGen C0206115, MONDO:0008681, OMIM 194072.
Aniridia 1 (AN1). Identifiers: Orphanet 250923, MedGen C0344542, MONDO:0024507, OMIM 106210.
Autosomal dominant keratitis. Also called: Keratitis, hereditary. Identifiers: Orphanet 2334, MedGen C1835698, MONDO:0007848, OMIM 148190.
Foveal hypoplasia 1. Also called: FOVEAL HYPOPLASIA 1 WITH OR WITHOUT ANTERIOR SEGMENT ANOMALIES AND/OR CATARACT; FOVEAL HYPOPLASIA 1 WITH ANTERIOR SEGMENT ANOMALIES. Identifiers: Orphanet 2253, MedGen C3805604, MONDO:0007628, OMIM 136520.
carboxymethyl-dextran-A2-gadolinium-DOTA.

Allele frequency attached by ClinVar (database versions not stated): TOPMed 0.00334; gnomAD 0.00295 and 0.00303; gnomAD exomes 0.00387; 1000 Genomes Project 0.00200; 1000 Genomes Project 30x 0.00219.
gnomAD v4.1: 717 of 222,440 alleles (0.32%); highest among the groups gnomAD compares: Non-Finnish European, 0.46%; 2 homozygotes.

Submissions (7):

CeGaT Center for Human Genetics Tuebingen
Classification: Benign. Last evaluated: 2022-08-01. Review status: criteria provided, single submitter. Criteria: CeGaT Center For Human Genetics Tuebingen Variant Classification Criteria Version 2. Collection method: clinical testing. Allele origin: germline. Affected: yes. Observed: 2 variant alleles.
Comment: PAX6: BS1, BS2

Illumina Laboratory Services, Illumina
Classification: Benign for Wilms tumor, aniridia, genitourinary anomalies, and mental retardation syndrome. Last evaluated: 2018-01-13. Review status: criteria provided, single submitter. Criteria: ICSL Variant Classification Criteria 13 December 2019. Collection method: clinical testing. Allele origin: germline.
Comment: This variant was observed in the ICSL laboratory as part of a predisposition screen in an ostensibly healthy population. It had not been previously curated by ICSL or reported in the Human Gene Mutation Database (HGMD: prior to June 1st, 2018), and was therefore a candidate for classification through an automated scoring system. Utilizing variant allele frequency, disease prevalence and penetrance estimates, and inheritance mode, an automated score was calculated to assess if this variant is too frequent to cause the disease. Based on the score and internal cut-off values, a variant classified as benign is not then subjected to further curation. The score for this variant resulted in a classification of benign for this disease.

Illumina Laboratory Services, Illumina
Classification: Benign for Autosomal dominant keratitis. Last evaluated: 2018-01-13. Review status: criteria provided, single submitter. Criteria: ICSL Variant Classification Criteria 13 December 2019. Collection method: clinical testing. Allele origin: germline.
Comment: the same text as in the submission from Illumina Laboratory Services, Illumina above.

Illumina Laboratory Services, Illumina
Classification: Benign for Aniridia 1. Last evaluated: 2018-01-13. Review status: criteria provided, single submitter. Criteria: ICSL Variant Classification Criteria 13 December 2019. Collection method: clinical testing. Allele origin: germline.
Comment: the same text as in the submission from Illumina Laboratory Services, Illumina above.

Illumina Laboratory Services, Illumina
Classification: Benign for Foveal hypoplasia 1. Last evaluated: 2018-01-13. Review status: criteria provided, single submitter. Criteria: ICSL Variant Classification Criteria 13 December 2019. Collection method: clinical testing. Allele origin: germline.
Comment: the same text as in the submission from Illumina Laboratory Services, Illumina above.

Illumina Laboratory Services, Illumina
Classification: Likely benign for carboxymethyl-dextran-A2-gadolinium-DOTA. Last evaluated: 2018-01-13. Review status: criteria provided, single submitter. Criteria: ICSL Variant Classification Criteria 13 December 2019. Collection method: clinical testing. Allele origin: germline.
Comment: This variant was observed in the ICSL laboratory as part of a predisposition screen in an ostensibly healthy population. It had not been previously curated by ICSL or reported in the Human Gene Mutation Database (HGMD: prior to June 1st, 2018), and was therefore a candidate for classification through an automated scoring system. Utilizing variant allele frequency, disease prevalence and penetrance estimates, and inheritance mode, an automated score was calculated to assess if this variant is too frequent to cause the disease. Based on the score and internal cut-off values, a variant classified as likely benign is not then subjected to further curation. The score for this variant resulted in a classification of likely benign for this disease.

Illumina Laboratory Services, Illumina
Classification: Uncertain significance for Anophthalmia-microphthalmia syndrome. Last evaluated: 2018-01-13. Review status: criteria provided, single submitter. Criteria: ICSL Variant Classification Criteria 13 December 2019. Collection method: clinical testing. Allele origin: germline.